The following is an entry in ClinVar:

NM_012144.4(DNAI1):c.1819-9T>G

Gene: DNAI1 (dynein axonemal intermediate chain 1; plus strand). Cytogenetic location: 9p13.3.
Variant type: single nucleotide variant.
Coding change: c.1819-9T>G on transcript NM_012144.4 (MANE Select); 9 bases into the intron before coding-DNA position 1819, T replaced by G.
Molecular consequence: intron variant.
Genome position (GRCh38, 1-based): chr9:34,517,276, T>G. VCF-style: chr9-34517276-T-G. GRCh37 (hg19) VCF-style: chr9-34517274-T-G.
Other names: c.1831-9T>G (NM_001281428.2).
Identifiers: ClinVar variation 640110 (VCV000640110.3), dbSNP rs1587094351, ClinGen allele CA915947473.
Genomic context (GRCh38, chr9:34,517,276, plus strand): 5'-GACTCATTCCTCTGAGGTGGAAGACAGGCCTCATTACCCCTGAGTGTGCTGACACCGACC[T>G]CTCCACAGGCCCACATATTTGACTTAGCCATCAACAAGTATGAGGCCATCTGCAACCAGC-3'

ClinVar aggregate classification (germline): Uncertain significance (1 of 4 stars; one submission).

Conditions:
Primary ciliary dyskinesia. Also called: Ciliary dyskinesia. Identifiers: Orphanet 244, MedGen C0008780, MONDO:0016575, HP:0012265.

Allele frequency attached by ClinVar (database versions not stated): gnomAD exomes below 0.00001.
gnomAD v4.1: 6 of 1,613,230 alleles (0.00037%); highest among the groups gnomAD compares: Non-Finnish European, 0.00051%; no homozygotes.

Submission:

Labcorp Genetics (formerly Invitae), Labcorp
Classification: Uncertain significance for Primary ciliary dyskinesia. Last evaluated: 2021-08-24. Review status: criteria provided, single submitter. Criteria: Invitae Variant Classification Sherloc (09022015). Collection method: clinical testing. Allele origin: germline.
Comment: This sequence change falls in intron 18 of the DNAI1 gene. It does not directly change the encoded amino acid sequence of the DNAI1 protein. This variant is not present in population databases (ExAC no frequency). This variant has not been reported in the literature in individuals affected with DNAI1-related conditions. Algorithms developed to predict the effect of sequence changes on RNA splicing suggest that this variant may disrupt the consensus splice site. In summary, the available evidence is currently insufficient to determine the role of this variant in disease. Therefore, it has been classified as a Variant of Uncertain Significance.